The following is an entry in ClinVar:

NM_001009944.3(PKD1):c.1379T>G (p.Val460Gly)

Gene: PKD1 (polycystin 1, transient receptor potential channel interacting; minus strand). Cytogenetic location: 16p13.3.
Variant type: single nucleotide variant.
Coding change: c.1379T>G on transcript NM_001009944.3 (MANE Select); coding-DNA position 1379, T replaced by G.
Protein change: p.Val460Gly; replaces valine 460 with glycine.
Molecular consequence: missense variant.
Genome position (GRCh38, 1-based): chr16:2,117,495, A>C on the plus strand (T>G on the coding strand, the complement: PKD1 is on the minus strand). VCF-style: chr16-2117495-A-C. GRCh37 (hg19) VCF-style: chr16-2167496-A-C.
Other names: c.1379T>G, p.Val460Gly (NM_000296.4); short protein forms V460G.
Identifiers: ClinVar variation 997121 (VCV000997121.1), dbSNP rs2092659177, ClinGen allele CA394392361.

ClinVar aggregate classification (germline): Uncertain significance (0 of 4 stars; one submission).

Conditions:
Polycystic kidney disease. Also called: Polycystic kidney dysplasia; Kidney, Polycystic. Identifiers: MedGen C0022680, MeSH D007690, MONDO:0020642, HP:0000113.

Submission:

Department of Pathology and Laboratory Medicine, Sinai Health System
Classification: Uncertain significance for Polycystic Kidney disease. Review status: no assertion criteria provided. Collection method: clinical testing. Allele origin: unknown. Affected: yes. Study: The Canadian Open Genetics Repository (COGR).
Comment: The PKD1 p.Val460Gly variant was not identified in the literature nor was it identified in the dbSNP, ClinVar, LOVD 3.0, ADPKD Mutation Database, PKD1-LOVD, the Exome Aggregation Consortium (August 8th 2016), or the Genome Aggregation Database (Feb 27, 2017). The p.Val460 residue is conserved across mammals and other organisms, and computational analyses (PolyPhen-2, SIFT, AlignGVGD, BLOSUM, MutationTaster) suggest that the variant may impact the protein; however, this information is not predictive enough to assume pathogenicity. The variant occurs outside of the splicing consensus sequence and 1 of 4 in silico or computational prediction software programs (SpliceSiteFinder, MaxEntScan, NNSPLICE, GeneSplicer) predict a greater than 10% difference in splicing; this is not very predictive of pathogenicity. In summary, based on the above information the clinical significance of this variant cannot be determined with certainty at this time. This variant is classified as a variant of uncertain significance